The following is an entry in ClinVar:

ClinVar aggregate classification (germline): Uncertain significance (1 of 4 stars; one submission).

Submission:

Labcorp Genetics (formerly Invitae), Labcorp
Classification: Uncertain significance. Last evaluated: 2024-09-18. Review status: criteria provided, single submitter. Criteria: Invitae Variant Classification Sherloc (09022015). Collection method: clinical testing. Allele origin: germline.
Comment: This sequence change replaces glutamine, which is neutral and polar, with arginine, which is basic and polar, at codon 620 of the ZNF408 protein (p.Gln620Arg). This variant is present in population databases (rs564289075, gnomAD 0.02%). This variant has not been reported in the literature in individuals affected with ZNF408-related conditions. An algorithm developed to predict the effect of missense changes on protein structure and function (PolyPhen-2) suggests that this variant is likely to be disruptive. In summary, the available evidence is currently insufficient to determine the role of this variant in disease. Therefore, it has been classified as a Variant of Uncertain Significance.

NM_024741.3(ZNF408):c.1859A>G (p.Gln620Arg)

Gene: ZNF408 (zinc finger protein 408; plus strand). Cytogenetic location: 11p11.2.
Variant type: single nucleotide variant.
Coding change: c.1859A>G on transcript NM_024741.3 (MANE Select); coding-DNA position 1859, A replaced by G.
Protein change: p.Gln620Arg; replaces glutamine 620 with arginine.
Molecular consequence: missense variant.
Genome position (GRCh38, 1-based): chr11:46,705,559, A>G. VCF-style: chr11-46705559-A-G. GRCh37 (hg19) VCF-style: chr11-46727109-A-G.
Other names: c.1835A>G, p.Gln612Arg (NM_001184751.2); short protein forms Q612R, Q620R.
Identifiers: ClinVar variation 3677397 (VCV003677397.2).